The following is an entry in ClinVar:

NM_018238.4(AGK):c.764C>T (p.Thr255Met)

Gene: AGK (acylglycerol kinase; plus strand). Cytogenetic location: 7q34.
Variant type: single nucleotide variant.
Coding change: c.764C>T on transcript NM_018238.4 (MANE Select); coding-DNA position 764, C replaced by T.
Protein change: p.Thr255Met; replaces threonine 255 with methionine.
Molecular consequence: missense variant.
Genome position (GRCh38, 1-based): chr7:141,641,285, C>T. VCF-style: chr7-141641285-C-T. GRCh37 (hg19) VCF-style: chr7-141341085-C-T.
Other names: c.764C>T, p.Thr255Met (NM_001364948.3); short protein forms T255M.
Identifiers: ClinVar variation 1219004 (VCV001219004.7), dbSNP rs112625649, ClinGen allele CA4517579.

ClinVar aggregate classification (germline): Uncertain significance. Review status: criteria provided, multiple submitters, no conflicts (2 of 4 stars). 2 submissions from 2 submitters: Uncertain significance (2). Last evaluated 2024-12-17.

Conditions:
Cataract 38. Also called: Cataract, autosomal recessive congenital 5; Cataract 38, autosomal recessive. Identifiers: Orphanet 91492, MedGen C3553494, MONDO:0013859, OMIM 614691.
Sengers syndrome. Also called: MITOCHONDRIAL DNA DEPLETION SYNDROME 10 (CARDIOMYOPATHIC TYPE); Cardiomyopathy and cataract. Identifiers: Orphanet 1369, MedGen C1859317, MONDO:0008922, OMIM 212350.

Allele frequency attached by ClinVar (database versions not stated): ESP Exome Variant Server 0.00008; TOPMed 0.00012; ExAC 0.00014; gnomAD exomes 0.00014 and 0.00015; gnomAD 0.00015 and 0.00016; 1000 Genomes Project 30x 0.00016; 1000 Genomes Project 0.00020.
gnomAD v4.1: 272 of 1,613,904 alleles (0.017%); highest among the groups gnomAD compares: Admixed American, 0.037%; 1 homozygote.

Submissions (2):

Labcorp Genetics (formerly Invitae), Labcorp
Classification: Uncertain significance for Sengers syndrome; Cataract 38. Last evaluated: 2024-12-17. Review status: criteria provided, single submitter. Criteria: Invitae Variant Classification Sherloc (09022015). Collection method: clinical testing. Allele origin: germline.
Comment: This sequence change replaces threonine, which is neutral and polar, with methionine, which is neutral and non-polar, at codon 255 of the AGK protein (p.Thr255Met). This variant is present in population databases (rs112625649, gnomAD 0.05%), including at least one homozygous and/or hemizygous individual. This variant has not been reported in the literature in individuals affected with AGK-related conditions. ClinVar contains an entry for this variant (Variation ID: 1219004). Invitae Evidence Modeling of protein sequence and biophysical properties (such as structural, functional, and spatial information, amino acid conservation, physicochemical variation, residue mobility, and thermodynamic stability) indicates that this missense variant is not expected to disrupt AGK protein function with a negative predictive value of 80%. In summary, the available evidence is currently insufficient to determine the role of this variant in disease. Therefore, it has been classified as a Variant of Uncertain Significance.

GeneDx
Classification: Uncertain significance. Last evaluated: 2020-12-30. Review status: criteria provided, single submitter. Criteria: GeneDx Variant Classification Process June 2021. Collection method: clinical testing. Allele origin: germline. Affected: yes.
Comment: Has not been previously published as pathogenic or benign to our knowledge; In-silico analysis, which includes splice predictors and evolutionary conservation, is inconclusive as to whether the variant alters gene splicing. In the absence of RNA/functional studies, the actual effect of this sequence change is unknown.; In silico analysis supports that this missense variant has a deleterious effect on protein structure/function